The following is an entry in ClinVar:

NM_058246.4(DNAJB6):c.715G>C (p.Ala239Pro)

Gene: DNAJB6 (DnaJ heat shock protein family (Hsp40) member B6; plus strand). Cytogenetic location: 7q36.3.
Variant type: single nucleotide variant.
Coding change: c.715G>C on transcript NM_058246.4 (MANE Select); coding-DNA position 715, G replaced by C.
Protein change: p.Ala239Pro; replaces alanine 239 with proline.
Molecular consequence: missense variant.
Genome position (GRCh38, 1-based): chr7:157,409,818, G>C. VCF-style: chr7-157409818-G-C. GRCh37 (hg19) VCF-style: chr7-157202512-G-C.
Other names: c.370G>C, p.Ala124Pro (NM_001363676.1); short protein forms A124P, A239P.
Identifiers: ClinVar variation 2765690 (VCV002765690.3), dbSNP rs1563153802, ClinGen allele CA370167184.
Genomic context (GRCh38, chr7:157,409,818, plus strand): 5'-CTCACTCACGGCTCTCTCTCTCCCGCTGTGCCTGCAGGTGTGGCCGACGACGATGCCCTC[G>C]CTGAGGAGCGCATGCGGAGAGGCCAGAACGCCCTGCCAGCCCAGCCTGCCGGCCTCCGCC-3'
Protein context (NP_490647.1, residues 229-249): INGVADDDAL[Ala239Pro]EERMRRGQNA

ClinVar aggregate classification (germline): Uncertain significance (1 of 4 stars; one submission).

Conditions:
Autosomal dominant limb-girdle muscular dystrophy type 1D (DNAJB6) (LGMDD1). Also called: MUSCULAR DYSTROPHY, LIMB-GIRDLE, TYPE 1D; MUSCULAR DYSTROPHY, AUTOSOMAL DOMINANT, WITH RIMMED VACUOLES; Autosomal dominant limb-girdle muscular dystrophy type 1D; Muscular dystrophy, limb-girdle, autosomal dominant 1. Identifiers: Orphanet 34516, MedGen C4721885, MONDO:0021018, OMIM 603511.

Submission:

Labcorp Genetics (formerly Invitae), Labcorp
Classification: Uncertain significance for Autosomal dominant limb-girdle muscular dystrophy type 1D (DNAJB6). Last evaluated: 2023-10-05. Review status: criteria provided, single submitter. Criteria: Invitae Variant Classification Sherloc (09022015). Collection method: clinical testing. Allele origin: germline.
Comment: This sequence change replaces alanine, which is neutral and non-polar, with proline, which is neutral and non-polar, at codon 239 of the DNAJB6 protein (p.Ala239Pro). This variant is not present in population databases (gnomAD no frequency). This variant has not been reported in the literature in individuals affected with DNAJB6-related conditions. Advanced modeling of protein sequence and biophysical properties (such as structural, functional, and spatial information, amino acid conservation, physicochemical variation, residue mobility, and thermodynamic stability) performed at Invitae indicates that this missense variant is not expected to disrupt DNAJB6 protein function. In summary, the available evidence is currently insufficient to determine the role of this variant in disease. Therefore, it has been classified as a Variant of Uncertain Significance.